The following is an entry in ClinVar:

NM_000553.6(WRN):c.2823C>T (p.Ser941=)

Gene: WRN (WRN RecQ like helicase; plus strand). Cytogenetic location: 8p12.
Variant type: single nucleotide variant.
Coding change: c.2823C>T on transcript NM_000553.6 (MANE Select); coding-DNA position 2823, C replaced by T.
Protein change: p.Ser941=; no amino-acid change (serine 941 retained).
Molecular consequence: synonymous variant.
Genome position (GRCh38, 1-based): chr8:31,124,998, C>T. VCF-style: chr8-31124998-C-T. GRCh37 (hg19) VCF-style: chr8-30982514-C-T.
Identifiers: ClinVar variation 4754280 (VCV004754280.1).

ClinVar aggregate classification (germline): Uncertain significance (1 of 4 stars; one submission).

Conditions:
Werner syndrome (WRN). Identifiers: Orphanet 902, MedGen C0043119, MONDO:0010196, OMIM 277700.

Submission:

Labcorp Genetics (formerly Invitae), Labcorp
Classification: Uncertain significance for Werner syndrome. Last evaluated: 2025-08-11. Review status: criteria provided, single submitter. Criteria: Invitae Variant Classification Sherloc (09022015). Collection method: clinical testing. Allele origin: germline.
Comment: This sequence change affects codon 941 of the WRN mRNA. It is a 'silent' change, meaning that it does not change the encoded amino acid sequence of the WRN protein. RNA analysis indicates that this variant induces altered splicing and likely results in a shortened protein product. This variant is not present in population databases (gnomAD no frequency). This variant has not been reported in the literature in individuals affected with WRN-related conditions. Studies have shown that this variant results in skipping of skipping of exon 23, but is expected to preserve the integrity of the reading-frame (internal data). In summary, the available evidence is currently insufficient to determine the role of this variant in disease. Therefore, it has been classified as a Variant of Uncertain Significance.